The following is an entry in ClinVar:

ClinVar aggregate classification (germline): Uncertain significance (1 of 4 stars; one submission).

gnomAD v4.1: 10 of 1,613,802 alleles (0.00062%); highest among the groups gnomAD compares: Admixed American, 0.017%; no homozygotes.

Submission:

GeneDx
Classification: Uncertain significance. Last evaluated: 2024-05-16. Review status: criteria provided, single submitter. Criteria: GeneDx Variant Classification Process June 2021. Collection method: clinical testing. Allele origin: germline. Affected: yes.
Comment: In silico analysis supports that this missense variant has a deleterious effect on protein structure/function; Has not been previously published as pathogenic or benign to our knowledge

NM_014822.4(SEC24D):c.413C>T (p.Pro138Leu)

Gene: SEC24D (SEC24 homolog D, COPII coat complex component; minus strand). Cytogenetic location: 4q26.
Variant type: single nucleotide variant.
Coding change: c.413C>T on transcript NM_014822.4 (MANE Select); coding-DNA position 413, C replaced by T.
Protein change: p.Pro138Leu; replaces proline 138 with leucine.
Molecular consequence: missense variant.
Genome position (GRCh38, 1-based): chr4:118,815,711, G>A on the plus strand (C>T on the coding strand, the complement: SEC24D is on the minus strand). VCF-style: chr4-118815711-G-A. GRCh37 (hg19) VCF-style: chr4-119736866-G-A.
Other names: c.413C>T, p.Pro138Leu (NM_001318066.2); short protein forms P138L.
Identifiers: ClinVar variation 3377914 (VCV003377914.1).